The following is an entry in ClinVar:

NM_001371986.1(UNC80):c.9397-4T>C

Gene: UNC80 (unc-80 subunit of NALCN channel complex; plus strand). Cytogenetic location: 2q34.
Variant type: single nucleotide variant.
Coding change: c.9397-4T>C on transcript NM_001371986.1 (MANE Select); 4 bases into the intron before coding-DNA position 9397, T replaced by C.
Molecular consequence: intron variant.
Genome position (GRCh38, 1-based): chr2:209,993,311, T>C. VCF-style: chr2-209993311-T-C. GRCh37 (hg19) VCF-style: chr2-210858035-T-C.
Other names: c.9199-4T>C (NM_032504.2, NM_032504.1); c.9127-4T>C (NM_182587.4).
Identifiers: ClinVar variation 1551109 (VCV001551109.10), dbSNP rs372752945, ClinGen allele CA2083668.

ClinVar aggregate classification (germline): Benign/Likely benign. Review status: criteria provided, multiple submitters, no conflicts (2 of 4 stars). 3 submissions from 3 submitters: Benign (1); Likely benign (1). 1 of the submissions does not count toward it. Last evaluated 2025-11-21.

Conditions:
UNC80-related disorder. Also called: UNC80-related condition.

Allele frequency attached by ClinVar (database versions not stated): gnomAD exomes 0.00028 and 0.00082; gnomAD 0.00031 and 0.00034; TOPMed 0.00031; ESP Exome Variant Server 0.00066; ExAC 0.00112.
gnomAD v4.1: 464 of 1,551,332 alleles (0.03%); highest among the groups gnomAD compares: Non-Finnish European, 0.006%; no homozygotes.

Submissions (3):

Labcorp Genetics (formerly Invitae), Labcorp
Classification: Benign. Last evaluated: 2025-11-21. Review status: criteria provided, single submitter. Criteria: Invitae Variant Classification Sherloc (09022015). Collection method: clinical testing. Allele origin: germline.

Blueprint Genetics
Classification: Likely benign. Last evaluated: 2024-10-31. Review status: criteria provided, single submitter. Criteria: ACMG Guidelines, 2015. Collection method: clinical testing. Allele origin: germline.

PreventionGenetics, part of Exact Sciences
Classification: Likely benign for UNC80-related condition. Last evaluated: 2024-07-12. Review status: no assertion criteria provided. Collection method: clinical testing. Allele origin: germline. Not counted in ClinVar's aggregate classification.
Comment: This variant is classified as likely benign based on ACMG/AMP sequence variant interpretation guidelines (Richards et al. 2015 PMID: 25741868, with internal and published modifications).